The following is an entry in ClinVar:

NM_004281.4(BAG3):c.892G>A (p.Val298Met)

Gene: BAG3 (BAG cochaperone 3; plus strand). Cytogenetic location: 10q26.11.
Variant type: single nucleotide variant.
Coding change: c.892G>A on transcript NM_004281.4 (MANE Select); coding-DNA position 892, G replaced by A.
Protein change: p.Val298Met; replaces valine 298 with methionine.
Molecular consequence: missense variant.
Genome position (GRCh38, 1-based): chr10:119,672,639, G>A. VCF-style: chr10-119672639-G-A. GRCh37 (hg19) VCF-style: chr10-121432151-G-A.
Other names: p.Val298Met; short protein forms V298M.
Identifiers: ClinVar variation 196379 (VCV000196379.54), dbSNP rs150048651, ClinGen allele CA243297.
Genomic context (GRCh38, chr10:119,672,639, plus strand): 5'-GGCTCACCAGCCAGGAGCAGCACGCCACTCCACTCCCCCTCGCCCATCCGTGTGCACACC[G>A]TGGTCGACAGGCCTCAGGTACGGGAAGTTAGTCGTCAGCAGACTGGTTATGGTGGTATGT-3'
Protein context (NP_004272.2, residues 288-308): HSPSPIRVHT[Val298Met]VDRPQQPMTH

ClinVar aggregate classification (germline): Conflicting classifications of pathogenicity. Review status: criteria provided, conflicting classifications (1 of 4 stars). 10 submissions from 10 submitters: Uncertain significance (6); Likely benign (3). 1 of the submissions does not count toward it. Last evaluated 2026-09-01.

Conditions:
Cardiovascular phenotype. Identifiers: MedGen CN230736.
Dilated cardiomyopathy 1HH (CMD1HH). Identifiers: Orphanet 154, MedGen C3151293, MONDO:0013479, OMIM 613881.
Myofibrillar myopathy 6. Identifiers: Orphanet 199340, MedGen C2751831, MONDO:0013061, OMIM 612954.

Allele frequency attached by ClinVar (database versions not stated): ExAC 0.00007; gnomAD 0.00007; gnomAD exomes 0.00008 and 0.00016; TOPMed 0.00012; ESP Exome Variant Server 0.00023.
gnomAD v4.1: 246 of 1,613,584 alleles (0.015%); highest among the groups gnomAD compares: Non-Finnish European, 0.02%; 1 homozygote.

Submissions (10):

CeGaT Center for Human Genetics Tuebingen
Classification: Likely benign. Last evaluated: 2026-09-01. Review status: criteria provided, single submitter. Criteria: CeGaT Center For Human Genetics Tuebingen Variant Classification Criteria Version 2. Collection method: clinical testing. Allele origin: germline. Affected: yes. Observed: 4 variant alleles.
Comment: BAG3: BP4

Ambry Genetics
Classification: Uncertain significance for Cardiovascular phenotype. Last evaluated: 2026-03-19. Review status: criteria provided, single submitter. Criteria: Ambry Variant Classification Scheme 2023. Collection method: clinical testing. Allele origin: germline.

Labcorp Genetics (formerly Invitae), Labcorp
Classification: Uncertain significance for Dilated cardiomyopathy 1HH; Myofibrillar myopathy 6. Last evaluated: 2026-02-01. Review status: criteria provided, single submitter. Criteria: Invitae Variant Classification Sherloc (09022015). Collection method: clinical testing. Allele origin: germline.
Comment: This sequence change replaces valine, which is neutral and non-polar, with methionine, which is neutral and non-polar, at codon 298 of the BAG3 protein (p.Val298Met). The frequency data for this variant in the population databases is considered unreliable, as metrics indicate poor data quality at this position in the gnomAD database. This missense change has been observed in individual(s) with dilated cardiomyopathy and/or left ventricular noncompaction (PMID: 28798025). ClinVar contains an entry for this variant (Variation ID: 196379). Invitae Evidence Modeling of protein sequence and biophysical properties (such as structural, functional, and spatial information, amino acid conservation, physicochemical variation, residue mobility, and thermodynamic stability) indicates that this missense variant is not expected to disrupt BAG3 protein function with a negative predictive value of 80%. In summary, the available evidence is currently insufficient to determine the role of this variant in disease. Therefore, it has been classified as a Variant of Uncertain Significance.

Women's Health and Genetics/Laboratory Corporation of America, LabCorp
Classification: Likely benign. Last evaluated: 2025-02-10. Review status: criteria provided, single submitter. Criteria: LabCorp Variant Classification Summary - May 2015. Collection method: clinical testing. Allele origin: germline.
Comment: Variant summary: BAG3 c.892G>A (p.Val298Met) results in a conservative amino acid change in the encoded protein sequence. Five of five in-silico tools predict a benign effect of the variant on protein function. The variant allele was found at a frequency of 0.00015 in 1613584 control chromosomes in the gnomAD database (gnomAD v4.1.0), including 1 homozygote. The observed variant frequency is approximately 4-fold of the estimated maximal expected allele frequency for a pathogenic variant in BAG3 causing Dilated Cardiomyopathy phenotype (3.9e-05). c.892G>A has been reported in the literature in individuals affected with Left ventricular non-compaction without evidence of causality (e.g. Miszalski-Jamka_2017). This report does not provide unequivocal conclusions about association of the variant with Dilated Cardiomyopathy. To our knowledge, no experimental evidence demonstrating an impact on protein function has been reported. The following publication has been ascertained in the context of this evaluation (PMID: 28798025). ClinVar contains an entry for this variant (Variation ID: 196379). Based on the evidence outlined above, the variant was classified as likely benign.

Blueprint Genetics
Classification: Likely benign. Last evaluated: 2024-11-06. Review status: criteria provided, single submitter. Criteria: ACMG Guidelines, 2015. Collection method: clinical testing. Allele origin: germline.

Revvity Omics, Revvity
Classification: Uncertain significance. Last evaluated: 2023-07-17. Review status: criteria provided, single submitter. Criteria: ACMG Guidelines, 2015. Collection method: clinical testing. Allele origin: germline.

Mayo Clinic Laboratories, Mayo Clinic
Classification: Uncertain significance. Last evaluated: 2022-05-31. Review status: criteria provided, single submitter. Criteria: ACMG Guidelines, 2015. Collection method: clinical testing. Allele origin: germline. Observed: 2 variant alleles.

Fulgent Genetics
Classification: Uncertain significance for Myofibrillar myopathy 6; Dilated cardiomyopathy 1HH. Last evaluated: 2021-07-27. Review status: criteria provided, single submitter. Criteria: ACMG Guidelines, 2015. Collection method: clinical testing. Allele origin: unknown.

Eurofins Ntd Llc (ga)
Classification: Uncertain significance. Last evaluated: 2015-01-20. Review status: criteria provided, single submitter. Criteria: EGL Classification Definitions 2015. Collection method: clinical testing. Allele origin: germline. Observed: 1 variant allele, 1 heterozygote.

Department of Pathology and Laboratory Medicine, Sinai Health System
Classification: Uncertain significance. Review status: no assertion criteria provided. Collection method: clinical testing. Allele origin: unknown. Affected: yes. Study: The Canadian Open Genetics Repository (COGR). Not counted in ClinVar's aggregate classification.
Comment: The BAG3 p.Val298Met variant was identified in the literature in two patients with left ventricular hypertrabeculation but was also found in a healthy control (Miszalski-Jamka_2018_PMID:28798025; Norton_2011_PMID:21353195). The variant was identified in dbSNP (ID: rs150048651), LOVD 3.0 and ClinVar (classified as uncertain significance by Ambry Genetics, EGL Genetic Diagnostics, and Invitae). The variant was identified in control databases in 22 of 281356 chromosomes at a frequency of 0.00007819 (Genome Aggregation Database March 6, 2019, v2.1.1). The variant was observed in the following populations: European (non-Finnish) in 20 of 128474 chromosomes (freq: 0.000156), Other in 1 of 7204 chromosomes (freq: 0.000139) and South Asian in 1 of 30616 chromosomes (freq: 0.000033), but was not observed in the African, Latino, Ashkenazi Jewish, East Asian, or European (Finnish) populations. The p.Val298 residue is not conserved in mammals and computational analyses (PolyPhen-2, SIFT, AlignGVGD, BLOSUM, MutationTaster) do not suggest a high likelihood of impact to the protein; however, this information is not predictive enough to rule out pathogenicity. The variant occurs outside of the splicing consensus sequence and three of four in silico or computational prediction software programs (SpliceSiteFinder, MaxEntScan, NNSPLICE, GeneSplicer) do not predict a difference in splicing. In summary, based on the above information the clinical significance of this variant cannot be determined with certainty at this time. This variant is classified as a variant of uncertain significance.

Literature cited by the submitters: PubMed 28798025 (cited by Labcorp Genetics (formerly Invitae), Labcorp and Women's Health and Genetics/Laboratory Corporation of America, LabCorp).